The following is an entry in ClinVar:

NM_001329964.2(TP63):c.22_23del (p.Asp8fs)

Gene: TP63 (tumor protein p63; plus strand). Cytogenetic location: 3q28.
Variant type: Microsatellite.
Coding change: c.22_23del on transcript NM_001329964.2; coding-DNA positions 22 to 23, 2 bases deleted (GA; older notation c.22_23delGA).
Protein change: p.Asp8fs; shifts the reading frame from aspartic acid 8.
Molecular consequence: frameshift variant.
Genome position (GRCh38, 1-based): chr3:189,597,204-189,597,205, GA deleted; deleting any 2 consecutive bases within chr3:189,597,199-189,597,205 gives the same sequence; the c. name uses the placement nearest the transcript's 3' end. VCF-style (leftmost placement, unchanged base first): chr3-189597198-CAG-C. GRCh37 (hg19) VCF-style: chr3-189314987-CAG-C.
Other names: short protein forms D8fs.
Identifiers: ClinVar variation 3892697 (VCV003892697.3).
Genomic context (GRCh38, chr3:189,597,198, plus strand): 5'-AAGAACCCACCAATTCCGGACACCCTATCAGAGATTTTGAAAACTATGAAGTGCTGGGAA[CAG>C]AGAGACTGGACAGCCTTCACAAAGGTGGGGAAACCTTGGTAAGTACTCAGTTTTCAGTTG-3'

ClinVar aggregate classification (germline): Uncertain significance. Review status: criteria provided, multiple submitters, no conflicts (2 of 4 stars). 2 submissions from 2 submitters: Uncertain significance (2). Last evaluated 2025-11-10.

Conditions:
Ankyloblepharon-ectodermal defects-cleft lip/palate syndrome. Also called: Ankyloblepharon-ectodermal defects, cleft lip/palate; Hay-Wells syndrome of ectodermal dysplasia; AEC SYNDROME; HAY-WELLS SYNDROME; Ankyloblepharon-Ectodermal Defects-Cleft Lip/Palate Syndrome (AEC Syndrome). Identifiers: Orphanet 1071, MedGen C0406709, MONDO:0007124, OMIM 106260.
Rapp-Hodgkin syndrome (RHS). Also called: ECTODERMAL DYSPLASIA, ANHIDROTIC, WITH CLEFT LIP/PALATE; Rapp-Hodgkin ectodermal dysplasia syndrome; Isolated Cleft Lip/Cleft Palate (Orofacial Cleft 8). Identifiers: MedGen C1785148, MONDO:0007508, OMIM 129400.
Ectrodactyly, ectodermal dysplasia, and cleft lip-palate syndrome 3. Also called: Ectrodactyly, Ectodermal Dysplasia, Clefting Syndrome; EEC SYNDROME 3; Ectrodactyly, Ectodermal Dysplasia, Clefting Syndrome Type 3 (EEC3); Ectrodactyly, Ectodermal Dysplasia, Cleft Lip/Palate Syndrome 3 (EEC3). Identifiers: Orphanet 1896, MedGen C1858562, MONDO:0011428, OMIM 604292.
ADULT syndrome. Also called: ACRO-DERMATO-UNGUAL-LACRIMAL-TOOTH SYNDROME; Acro-Dermo-Ungual-Lacrimal-Tooth Syndrome (ADULT Syndrome); Acro-dermato-ungual-lacrimal-tooth (adult) syndrome. Identifiers: Orphanet 978, MedGen C1863204, MONDO:0007072, OMIM 103285.
Split hand-foot malformation 4. Also called: Split-Hand/Foot Malformation Type 4 (SHFM4 syndrome); Split-Hand/Foot Malformation Type 4 (SHFM4). Identifiers: Orphanet 2440, MedGen C1854442, MONDO:0011535, OMIM 605289.
Limb-mammary syndrome (LMS). Also called: Mammary hypoplasia, ectrodactyly, and other hand/foot anomalies. Identifiers: Orphanet 69085, MedGen C1863753, MONDO:0011334, OMIM 603543.
Premature ovarian failure 21 (POF21). Identifiers: MedGen C5830399, MONDO:0957216, OMIM 620311.

Submissions (2):

Dasa
Classification: Uncertain significance. Last evaluated: 2025-11-10. Review status: criteria provided, single submitter. Criteria: DASA Assertion Criteria. Collection method: clinical testing. Allele origin: germline.
Comment: NM_001329964.2(TP63):c.22_23del (p.Asp8Leufs*38) is a frameshift variant in TP63 predicted to alter the reading frame and introduce a premature termination codon and is predicted to result in an absent or altered protein product. This variant is rare in population databases. The currently available literature and clinical evidence are not sufficient to establish a definitive association between this variant and the reported condition. Therefore, this variant is classified as a variant of uncertain significance.

Department of Pathology and Laboratory Medicine, Sinai Health System
Classification: Uncertain significance for ADULT syndrome; Ankyloblepharon-ectodermal defects-cleft lip/palate syndrome; Rapp-Hodgkin syndrome; Limb-mammary syndrome; Ectrodactyly, ectodermal dysplasia, and cleft lip-palate syndrome 3; Split hand-foot malformation 4; Premature ovarian failure 21. Last evaluated: 2023-02-01. Review status: criteria provided, single submitter. Criteria: ACMG Guidelines, 2015. Collection method: research. Allele origin: germline.